The following is an entry in ClinVar:

ClinVar aggregate classification (germline): Uncertain significance. Review status: criteria provided, multiple submitters, no conflicts (2 of 4 stars). 3 submissions from 3 submitters: Uncertain significance (3). Last evaluated 2025-02-02.

Conditions:
Inborn genetic diseases. Identifiers: MedGen C0950123, MeSH D030342.
C7-related disorder. Also called: C7-related condition.

Allele frequency attached by ClinVar (database versions not stated): gnomAD exomes 0.00002 and 0.00005; ExAC 0.00003; gnomAD 0.00004 and 0.00005; TOPMed 0.00004; ESP Exome Variant Server 0.00008.
gnomAD v4.1: 82 of 1,606,980 alleles (0.0051%); highest among the groups gnomAD compares: Non-Finnish European, 0.0062%; no homozygotes.

Submissions (3):

Labcorp Genetics (formerly Invitae), Labcorp
Classification: Uncertain significance. Last evaluated: 2025-02-02. Review status: criteria provided, single submitter. Criteria: Invitae Variant Classification Sherloc (09022015). Collection method: clinical testing. Allele origin: germline.
Comment: This sequence change replaces arginine, which is basic and polar, with tryptophan, which is neutral and slightly polar, at codon 220 of the C7 protein (p.Arg220Trp). This variant is present in population databases (rs372012422, gnomAD 0.006%). This variant has not been reported in the literature in individuals affected with C7-related conditions. ClinVar contains an entry for this variant (Variation ID: 1429997). Invitae Evidence Modeling of protein sequence and biophysical properties (such as structural, functional, and spatial information, amino acid conservation, physicochemical variation, residue mobility, and thermodynamic stability) indicates that this missense variant is not expected to disrupt C7 protein function with a negative predictive value of 80%. In summary, the available evidence is currently insufficient to determine the role of this variant in disease. Therefore, it has been classified as a Variant of Uncertain Significance.

PreventionGenetics, part of Exact Sciences
Classification: Uncertain significance for C7-related condition. Last evaluated: 2025-01-11. Review status: criteria provided, single submitter. Criteria: ACMG Guidelines, 2015. Collection method: clinical testing. Allele origin: germline.
Comment: The C7 c.658C>T variant is predicted to result in the amino acid substitution p.Arg220Trp. To our knowledge, this variant has not been reported in the literature. This variant is reported in 0.0047% of alleles in individuals of European (Non-Finnish) descent in gnomAD. At this time, the clinical significance of this variant is uncertain due to the absence of conclusive functional and genetic evidence.

Ambry Genetics
Classification: Uncertain significance for Inborn genetic diseases. Last evaluated: 2024-06-04. Review status: criteria provided, single submitter. Criteria: Ambry Variant Classification Scheme 2023. Collection method: clinical testing. Allele origin: germline.

NM_000587.4(C7):c.658C>T (p.Arg220Trp)

Gene: C7 (complement C7; plus strand). Cytogenetic location: 5p13.1.
Variant type: single nucleotide variant.
Coding change: c.658C>T on transcript NM_000587.4 (MANE Select); coding-DNA position 658, C replaced by T.
Protein change: p.Arg220Trp; replaces arginine 220 with tryptophan.
Molecular consequence: missense variant.
Genome position (GRCh38, 1-based): chr5:40,945,288, C>T. VCF-style: chr5-40945288-C-T. GRCh37 (hg19) VCF-style: chr5-40945390-C-T.
Other names: c.658C>T (NM_000587.3, NM_000587.2); short protein forms R220W.
Identifiers: ClinVar variation 1429997 (VCV001429997.8), dbSNP rs372012422, ClinGen allele CA3249714.